The following is an entry in ClinVar:

NM_001563.4(IMPG1):c.22G>C (p.Ala8Pro)

Gene: IMPG1 (interphotoreceptor matrix proteoglycan 1; minus strand). Cytogenetic location: 6q14.1.
Variant type: single nucleotide variant.
Coding change: c.22G>C on transcript NM_001563.4 (MANE Select); coding-DNA position 22, G replaced by C.
Protein change: p.Ala8Pro; replaces alanine 8 with proline.
Molecular consequence: missense variant.
Genome position (GRCh38, 1-based): chr6:76,072,467, C>G on the plus strand (G>C on the coding strand, the complement: IMPG1 is on the minus strand). VCF-style: chr6-76072467-C-G. GRCh37 (hg19) VCF-style: chr6-76782184-C-G.
Other names: c.22G>C, p.Ala8Pro (NM_001282368.2); c.22G>C (NM_001563.3); short protein forms A8P.
Identifiers: ClinVar variation 1051460 (VCV001051460.11), dbSNP rs141234329, ClinGen allele CA3898678.
Genomic context (GRCh38, chr6:76,072,467, plus strand): 5'-ATTTAAGTAACTTACCTTTGGTTCCTTGAACTTGGAGAAAAATCCAAAAAACAAAAATAG[C>G]TCTTCTAGTTTCCAAATACATTCTGGCTTTTGTGCATTGGTAATTCTGATAACAATCACA-3'
Protein context (NP_001554.2, residues 1-18): MYLETRR[Ala8Pro]IFVFWIFLQV

ClinVar aggregate classification (germline): Uncertain significance. Review status: criteria provided, multiple submitters, no conflicts (2 of 4 stars). 2 submissions from 2 submitters: Uncertain significance (2). Last evaluated 2025-04-10.

Conditions:
IMPG1-related disorder. Also called: IMPG1-related condition.

Allele frequency attached by ClinVar (database versions not stated): ExAC 0.00003; gnomAD exomes 0.00003 and 0.00004; TOPMed 0.00004; gnomAD 0.00005 and 0.00006; ESP Exome Variant Server 0.00008.

Submissions (2):

Labcorp Genetics (formerly Invitae), Labcorp
Classification: Uncertain significance. Last evaluated: 2025-04-10. Review status: criteria provided, single submitter. Criteria: Invitae Variant Classification Sherloc (09022015). Collection method: clinical testing. Allele origin: germline.
Comment: This sequence change replaces alanine, which is neutral and non-polar, with proline, which is neutral and non-polar, at codon 8 of the IMPG1 protein (p.Ala8Pro). This variant is present in population databases (rs141234329, gnomAD 0.007%). This variant has not been reported in the literature in individuals affected with IMPG1-related conditions. ClinVar contains an entry for this variant (Variation ID: 1051460). An algorithm developed to predict the effect of missense changes on protein structure and function (PolyPhen-2) suggests that this variant is likely to be tolerated. In summary, the available evidence is currently insufficient to determine the role of this variant in disease. Therefore, it has been classified as a Variant of Uncertain Significance.

PreventionGenetics, part of Exact Sciences
Classification: Uncertain significance for IMPG1-related condition. Last evaluated: 2024-10-21. Review status: criteria provided, single submitter. Criteria: ACMG Guidelines, 2015. Collection method: clinical testing. Allele origin: germline.
Comment: The IMPG1 c.22G>C variant is predicted to result in the amino acid substitution p.Ala8Pro. To our knowledge, this variant has not been reported in the literature. This variant is reported in 0.0072% of alleles in individuals of European (Non-Finnish) descent in gnomAD. At this time, the clinical significance of this variant is uncertain due to the absence of conclusive functional and genetic evidence.